The following is an entry in ClinVar:

NM_058195.4(CDKN2A):c.72G>A (p.Val24=)

Gene: CDKN2A (cyclin dependent kinase inhibitor 2A; minus strand). Cytogenetic location: 9p21.3.
Variant type: single nucleotide variant.
Coding change: c.72G>A on transcript NM_058195.4 (MANE Plus Clinical); coding-DNA position 72, G replaced by A.
Protein change: p.Val24=; no amino-acid change (valine 24 retained).
Molecular consequence: synonymous variant. On other transcripts: intron variant (1).
Genome position (GRCh38, 1-based): chr9:21,994,260, C>T on the plus strand (G>A on the coding strand, the complement: CDKN2A is on the minus strand). VCF-style: chr9-21994260-C-T. GRCh37 (hg19) VCF-style: chr9-21994259-C-T.
Other names: c.-4+561G>A (NM_001363763.2).
Identifiers: ClinVar variation 1097623 (VCV001097623.8), dbSNP rs2131148725, ClinGen allele CA464100341.

ClinVar aggregate classification (germline): Benign/Likely benign. Review status: criteria provided, multiple submitters, no conflicts (2 of 4 stars). 3 submissions from 3 submitters: Benign (1); Likely benign (2). Last evaluated 2025-08-12.

Conditions:
Familial melanoma. Also called: Hereditary melanoma; Hereditary cutaneous melanoma. Identifiers: Orphanet 618, MedGen C1512419, MONDO:0018961.
Melanoma-pancreatic cancer syndrome. Identifiers: Orphanet 404560, MedGen C1838547, MONDO:0011713, OMIM 606719. Disease mechanism: loss of function.
Hereditary cancer-predisposing syndrome. Also called: Neoplastic Syndromes, Hereditary; Tumor predisposition; Hereditary Cancer Syndrome; Hereditary neoplastic syndrome. Identifiers: Orphanet 140162, MedGen C0027672, MeSH D009386, MONDO:0015356.

gnomAD v4.1: 2 of 1,605,680 alleles (0.00012%); highest among the groups gnomAD compares: Non-Finnish European, 0.00017%; no homozygotes.

Submissions (3):

Myriad Genetics, Inc.
Classification: Benign for Melanoma-pancreatic cancer syndrome. Last evaluated: 2025-08-12. Review status: criteria provided, single submitter. Criteria: Myriad Autosomal Dominant, Autosomal Recessive and X-Linked Classification Criteria (2023). Collection method: clinical testing. Allele origin: unknown.
Comment: This variant is considered benign. This variant is a silent/synonymous amino acid change and it is not expected to impact splicing.

Ambry Genetics
Classification: Likely benign for Hereditary cancer-predisposing syndrome. Last evaluated: 2021-08-27. Review status: criteria provided, single submitter. Criteria: Ambry Variant Classification Scheme 2023. Collection method: clinical testing. Allele origin: germline.

Labcorp Genetics (formerly Invitae), Labcorp
Classification: Likely benign for Familial melanoma. Last evaluated: 2020-01-21. Review status: criteria provided, single submitter. Criteria: Invitae Variant Classification Sherloc (09022015). Collection method: clinical testing. Allele origin: germline.